The following is an entry in ClinVar:

NM_024649.5(BBS1):c.1498A>T (p.Lys500Ter)

Genes: BBS1 (Bardet-Biedl syndrome 1; plus strand), ZDHHC24 (zDHHC palmitoyltransferase 24; minus strand). Cytogenetic location: 11q13.2.
Variant type: single nucleotide variant.
Coding change: c.1498A>T on transcript NM_024649.5 (MANE Select); coding-DNA position 1498, A replaced by T.
Protein change: p.Lys500Ter; replaces lysine 500 with a stop codon.
Molecular consequence: nonsense. On other transcripts: intron variant (1).
Genome position (GRCh38, 1-based): chr11:66,530,918, A>T. VCF-style: chr11-66530918-A-T. GRCh37 (hg19) VCF-style: chr11-66298389-A-T.
Other names: c.560-1430T>A (NM_001348571.2); short protein forms K500*.
Identifiers: ClinVar variation 1724999 (VCV001724999.2), dbSNP rs1445972147, ClinGen allele CA381425083.

ClinVar aggregate classification (germline): Likely pathogenic (1 of 4 stars; one submission).

Conditions:
Bardet-Biedl syndrome 1 (BBS1). Identifiers: MedGen C2936862, MONDO:0008854, OMIM 209900. Disease mechanism: loss of function.

Submission:

Myriad Genetics, Inc.
Classification: Likely pathogenic for Bardet-Biedl syndrome 1. Last evaluated: 2022-03-04. Review status: criteria provided, single submitter. Criteria: Myriad Women's Health Autosomal Recessive and X-Linked Classification Criteria (2021). Collection method: clinical testing. Allele origin: unknown.
Comment: NM_024649.4(BBS1):c.1498A>T(K500*) is expected to be pathogenic in the context of Bardet-Biedl syndrome, BBS1-related. This variant is predicted to lead to an abnormal or absent protein product due to the creation of a premature termination codon in BBS1, a gene where loss-of-function variants are known to be pathogenic. Please note: this variant was assessed in the context of healthy population screening.